The following is an entry in ClinVar:

NM_004369.4(COL6A3):c.8914C>T (p.Pro2972Ser)

Gene: COL6A3 (collagen type VI alpha 3 chain; minus strand). Cytogenetic location: 2q37.3.
Variant type: single nucleotide variant.
Coding change: c.8914C>T on transcript NM_004369.4 (MANE Select); coding-DNA position 8914, C replaced by T.
Protein change: p.Pro2972Ser; replaces proline 2972 with serine.
Molecular consequence: missense variant.
Genome position (GRCh38, 1-based): chr2:237,336,186, G>A on the plus strand (C>T on the coding strand, the complement: COL6A3 is on the minus strand). VCF-style: chr2-237336186-G-A. GRCh37 (hg19) VCF-style: chr2-238244829-G-A.
Other names: c.7093C>T, p.Pro2365Ser (NM_057166.5); c.8296C>T, p.Pro2766Ser (NM_057167.4); short protein forms P2766S, P2972S, P2365S.
Identifiers: ClinVar variation 943592 (VCV000943592.6), dbSNP rs1256198664, ClinGen allele CA351191054.

ClinVar aggregate classification (germline): Uncertain significance (1 of 4 stars; one submission).

Conditions:
Bethlem myopathy 1A. Also called: Bethlem Muscular Dystrophy; MYOPATHY, BENIGN CONGENITAL, WITH CONTRACTURES; Bethlem myopathy 1. Identifiers: Orphanet 610, MedGen CN029274, MONDO:0024530, OMIM 158810.

Allele frequency attached by ClinVar (database versions not stated): gnomAD exomes below 0.00001.
gnomAD v4.1: 1 of 1,613,740 alleles (0.000062%); highest among the groups gnomAD compares: Non-Finnish European, 0.000085%; no homozygotes.

Submission:

Labcorp Genetics (formerly Invitae), Labcorp
Classification: Uncertain significance for Bethlem myopathy 1A. Last evaluated: 2021-08-24. Review status: criteria provided, single submitter. Criteria: Invitae Variant Classification Sherloc (09022015). Collection method: clinical testing. Allele origin: germline.
Comment: This sequence change replaces proline with serine at codon 2972 of the COL6A3 protein (p.Pro2972Ser). The proline residue is weakly conserved and there is a moderate physicochemical difference between proline and serine. This variant is not present in population databases (ExAC no frequency). This variant has not been reported in the literature in individuals affected with COL6A3-related conditions. Algorithms developed to predict the effect of missense changes on protein structure and function output the following: SIFT: "Tolerated"; PolyPhen-2: "Not Available"; Align-GVGD: "Class C0". The serine amino acid residue is found in multiple mammalian species, which suggests that this missense change does not adversely affect protein function. In summary, the available evidence is currently insufficient to determine the role of this variant in disease. Therefore, it has been classified as a Variant of Uncertain Significance.